The following is an entry in ClinVar:

NM_182914.3(SYNE2):c.2429C>G (p.Thr810Ser)

Gene: SYNE2 (spectrin repeat containing nuclear envelope protein 2; plus strand). Cytogenetic location: 14q23.2.
Variant type: single nucleotide variant.
Coding change: c.2429C>G on transcript NM_182914.3 (MANE Select); coding-DNA position 2429, C replaced by G.
Protein change: p.Thr810Ser; replaces threonine 810 with serine.
Molecular consequence: missense variant.
Genome position (GRCh38, 1-based): chr14:63,990,526, C>G. VCF-style: chr14-63990526-C-G. GRCh37 (hg19) VCF-style: chr14-64457244-C-G.
Other names: c.2429C>G, p.Thr810Ser (NM_015180.6); c.2429C>G (NM_182914.2); short protein forms T810S.
Identifiers: ClinVar variation 2068106 (VCV002068106.9), dbSNP rs377493238, ClinGen allele CA7219685.

ClinVar aggregate classification (germline): Uncertain significance. Review status: criteria provided, multiple submitters, no conflicts (2 of 4 stars). 4 submissions from 4 submitters: Uncertain significance (4). Last evaluated 2024-08-28.

Conditions:
Emery-Dreifuss muscular dystrophy 5, autosomal dominant (EDMD5). Also called: EMERY-DREIFUSS MUSCULAR DYSTROPHY 5. Identifiers: Orphanet 261, MedGen C2751805, MONDO:0013072, OMIM 612999.

Allele frequency attached by ClinVar (database versions not stated): gnomAD 0.00002; TOPMed 0.00002; ExAC 0.00003; ESP Exome Variant Server 0.00008.
gnomAD v4.1: 28 of 1,613,782 alleles (0.0017%); highest among the groups gnomAD compares: Non-Finnish European, 0.0023%; no homozygotes.

Submissions (4):

Ambry Genetics
Classification: Uncertain significance. Last evaluated: 2024-08-28. Review status: criteria provided, single submitter. Criteria: Ambry Variant Classification Scheme 2023. Collection method: clinical testing. Allele origin: germline.

Labcorp Genetics (formerly Invitae), Labcorp
Classification: Uncertain significance for Emery-Dreifuss muscular dystrophy 5, autosomal dominant. Last evaluated: 2023-12-01. Review status: criteria provided, single submitter. Criteria: Invitae Variant Classification Sherloc (09022015). Collection method: clinical testing. Allele origin: germline.
Comment: This sequence change replaces threonine, which is neutral and polar, with serine, which is neutral and polar, at codon 810 of the SYNE2 protein (p.Thr810Ser). This variant is present in population databases (rs377493238, gnomAD 0.005%). This variant has not been reported in the literature in individuals affected with SYNE2-related conditions. ClinVar contains an entry for this variant (Variation ID: 2068106). Algorithms developed to predict the effect of missense changes on protein structure and function output the following: SIFT: "Not Available"; PolyPhen-2: "Benign"; Align-GVGD: "Not Available". The serine amino acid residue is found in multiple mammalian species, which suggests that this missense change does not adversely affect protein function. In summary, the available evidence is currently insufficient to determine the role of this variant in disease. Therefore, it has been classified as a Variant of Uncertain Significance.

Athena Diagnostics
Classification: Uncertain significance. Last evaluated: 2023-08-03. Review status: criteria provided, single submitter. Criteria: Athena Diagnostics Criteria. Collection method: clinical testing. Allele origin: unknown.
Comment: Available data are insufficient to determine the clinical significance of the variant at this time. The frequency of this variant in the general population is uninformative in assessment of its pathogenicity. Computational tools predict that this variant is not damaging.

Revvity Omics, Revvity
Classification: Uncertain significance for Emery-Dreifuss muscular dystrophy 5, autosomal dominant. Last evaluated: 2019-08-26. Review status: criteria provided, single submitter. Criteria: ACMG Guidelines, 2015. Collection method: clinical testing. Allele origin: germline.